The following is an entry in ClinVar:

ClinVar aggregate classification (germline): Conflicting classifications of pathogenicity. Review status: criteria provided, conflicting classifications (1 of 4 stars). 4 submissions from 4 submitters: Uncertain significance (1); Likely benign (2). 1 of the submissions does not count toward it. Last evaluated 2026-02-04.

Conditions:
OTOF-related disorder. Also called: OTOF-related condition.

Allele frequency attached by ClinVar (database versions not stated): gnomAD exomes 0.00019; ExAC 0.00020; 1000 Genomes Project 30x 0.00047; 1000 Genomes Project 0.00060; gnomAD 0.00084 and 0.00089; TOPMed 0.00099; ESP Exome Variant Server 0.00108.
gnomAD v4.1: 243 of 1,612,998 alleles (0.015%); highest among the groups gnomAD compares: African/African-American, 0.27%; no homozygotes.

Submissions (4):

Labcorp Genetics (formerly Invitae), Labcorp
Classification: Likely benign. Last evaluated: 2026-02-04. Review status: criteria provided, single submitter. Criteria: Invitae Variant Classification Sherloc (09022015). Collection method: clinical testing. Allele origin: germline.

GeneDx
Classification: Likely benign. Last evaluated: 2024-07-03. Review status: criteria provided, single submitter. Criteria: GeneDx Variant Classification Process June 2021. Collection method: clinical testing. Allele origin: germline. Affected: yes.
Comment: See Variant Classification Assertion Criteria.

Blueprint Genetics
Classification: Uncertain significance. Last evaluated: 2023-09-20. Review status: criteria provided, single submitter. Criteria: ACMG Guidelines, 2015. Collection method: clinical testing. Allele origin: germline.

PreventionGenetics, part of Exact Sciences
Classification: Likely benign for OTOF-related condition. Last evaluated: 2024-05-08. Review status: no assertion criteria provided. Collection method: clinical testing. Allele origin: germline. Not counted in ClinVar's aggregate classification.
Comment: This variant is classified as likely benign based on ACMG/AMP sequence variant interpretation guidelines (Richards et al. 2015 PMID: 25741868, with internal and published modifications).

NM_194248.3(OTOF):c.3385G>A (p.Val1129Met)

Gene: OTOF (otoferlin; minus strand). Cytogenetic location: 2p23.3.
Variant type: single nucleotide variant.
Coding change: c.3385G>A on transcript NM_194248.3 (MANE Select); coding-DNA position 3385, G replaced by A.
Protein change: p.Val1129Met; replaces valine 1129 with methionine.
Molecular consequence: missense variant.
Genome position (GRCh38, 1-based): chr2:26,474,014, C>T on the plus strand (G>A on the coding strand, the complement: OTOF is on the minus strand). VCF-style: chr2-26474014-C-T. GRCh37 (hg19) VCF-style: chr2-26696882-C-T.
Other names: c.3385G>A (NM_194248.2); c.3385G>A, p.Val1129Met (NM_001287489.2); c.1144G>A, p.Val382Met (NM_004802.4, NM_194323.3); c.1315G>A, p.Val439Met (NM_194322.3); short protein forms V1129M, V382M, V439M.
Identifiers: ClinVar variation 1183600 (VCV001183600.11), dbSNP rs138249243, ClinGen allele CA1563572.